The following is an entry in ClinVar:

ClinVar aggregate classification (germline): Conflicting classifications of pathogenicity. Review status: criteria provided, conflicting classifications (1 of 4 stars). 4 submissions from 4 submitters: Uncertain significance (2); Likely benign (2). Last evaluated 2025-12-28.

Conditions:
Fanconi anemia (FA). Also called: Fanconi's anemia. Identifiers: Orphanet 84, MedGen C0015625, MeSH D005199, MONDO:0019391.
Fanconi anemia complementation group I (FANCI). Also called: FANCI-Related Fanconi Anemia. Identifiers: Orphanet 84, MedGen C1836861, MONDO:0012186, OMIM 609053.

Allele frequency attached by ClinVar (database versions not stated): gnomAD 0.00005 and 0.00009; ESP Exome Variant Server 0.00008; TOPMed 0.00011; gnomAD exomes 0.00023; ExAC 0.00026; 1000 Genomes Project 0.00060; 1000 Genomes Project 30x 0.00062.

Submissions (4):

Labcorp Genetics (formerly Invitae), Labcorp
Classification: Likely benign for Fanconi anemia. Last evaluated: 2025-12-28. Review status: criteria provided, single submitter. Criteria: Invitae Variant Classification Sherloc (09022015). Collection method: clinical testing. Allele origin: germline.

ARUP Laboratories, Molecular Genetics and Genomics, ARUP Laboratories
Classification: Likely benign for Fanconi anemia complementation group I. Last evaluated: 2025-02-07. Review status: criteria provided, single submitter. Criteria: ARUP Molecular Germline Variant Investigation Process 2024. Collection method: clinical testing. Allele origin: germline.

Baylor Genetics
Classification: Uncertain significance for Fanconi anemia complementation group I. Last evaluated: 2019-07-05. Review status: criteria provided, single submitter. Criteria: ACMG Guidelines, 2015. Collection method: clinical testing. Allele origin: unknown. Affected: yes. Study: CSER-TexasKidsCanSeq.
Comment: This variant was determined to be of uncertain significance according to ACMG Guidelines, 2015 [PMID:25741868].

Genetic Services Laboratory, University of Chicago
Classification: Uncertain significance. Last evaluated: 2017-04-17. Review status: criteria provided, single submitter. Criteria: ACMG Guidelines, 2015. Collection method: clinical testing. Allele origin: germline. Affected: no.

NM_001113378.2(FANCI):c.3055C>T (p.Arg1019Trp)

Gene: FANCI (FA complementation group I; plus strand). Cytogenetic location: 15q26.1.
Variant type: single nucleotide variant.
Coding change: c.3055C>T on transcript NM_001113378.2 (MANE Select); coding-DNA position 3055, C replaced by T.
Protein change: p.Arg1019Trp; replaces arginine 1019 with tryptophan.
Molecular consequence: missense variant.
Genome position (GRCh38, 1-based): chr15:89,303,912, C>T. VCF-style: chr15-89303912-C-T. GRCh37 (hg19) VCF-style: chr15-89847143-C-T.
Other names: c.2776C>T, p.Arg926Trp (NM_001376910.1); c.3055C>T, p.Arg1019Trp (NM_001376911.1); c.2875C>T, p.Arg959Trp (NM_018193.3); short protein forms R1019W, R959W, R926W.
Identifiers: ClinVar variation 435162 (VCV000435162.17), dbSNP rs149167939, ClinGen allele CA7723566.
Genomic context (GRCh38, chr15:89,303,912, plus strand): 5'-TCTCTAATTTAGTTTGTGCAGATGTTATCCTGGACATCAAAGATTTGCAAGGAAAACAGC[C>T]GGGGTAAGTTTACTGCCATGTTTTCCTAAAGGCTTTATATAAAATCACTATCCTCCAGTG-3'
Protein context (NP_001106849.1, residues 1009-1029): WTSKICKENS[Arg1019Trp]EDALFCKSLM